The following is an entry in ClinVar:

ClinVar aggregate classification (germline): Uncertain significance (1 of 4 stars; one submission).

Submission:

Labcorp Genetics (formerly Invitae), Labcorp
Classification: Uncertain significance. Last evaluated: 2024-12-30. Review status: criteria provided, single submitter. Criteria: Invitae Variant Classification Sherloc (09022015). Collection method: clinical testing. Allele origin: germline.
Comment: This sequence change replaces arginine, which is basic and polar, with cysteine, which is neutral and slightly polar, at codon 75 of the CAMK2B protein (p.Arg75Cys). This variant is not present in population databases (gnomAD no frequency). This variant has not been reported in the literature in individuals affected with CAMK2B-related conditions. An algorithm developed to predict the effect of missense changes on protein structure and function (PolyPhen-2) suggests that this variant is likely to be disruptive. In summary, the available evidence is currently insufficient to determine the role of this variant in disease. Therefore, it has been classified as a Variant of Uncertain Significance.

NM_001220.5(CAMK2B):c.223C>T (p.Arg75Cys)

Gene: CAMK2B (calcium/calmodulin dependent protein kinase II beta; minus strand). Cytogenetic location: 7p13.
Variant type: single nucleotide variant.
Coding change: c.223C>T on transcript NM_001220.5 (MANE Select); coding-DNA position 223, C replaced by T.
Protein change: p.Arg75Cys; replaces arginine 75 with cysteine.
Molecular consequence: missense variant.
Genome position (GRCh38, 1-based): chr7:44,258,924, G>A on the plus strand (C>T on the coding strand, the complement: CAMK2B is on the minus strand). VCF-style: chr7-44258924-G-A. GRCh37 (hg19) VCF-style: chr7-44298523-G-A.
Other names: c.223C>T, p.Arg75Cys (NM_001293170.2, NM_172078.3, NM_172079.3 and 5 more transcripts); short protein forms R75C.
Identifiers: ClinVar variation 3728260 (VCV003728260.2).